The following is an entry in ClinVar:

ClinVar aggregate classification (germline): Uncertain significance. Review status: criteria provided, multiple submitters, no conflicts (2 of 4 stars). 3 submissions from 3 submitters: Uncertain significance (2). 1 of the submissions does not count toward it. Last evaluated 2022-09-27.

Conditions:
Cardiomyopathy (CMYO). Also called: Cardiomyopathies. Identifiers: Orphanet 167848, MedGen C0878544, MONDO:0004994, HP:0001638. Inheritance: Various modes of inheritance.
Becker muscular dystrophy (BMD). Also called: MUSCULAR DYSTROPHY, PSEUDOHYPERTROPHIC PROGRESSIVE, BECKER TYPE; Becker Muscular Dystrophy (BMD). Identifiers: Orphanet 98895, MedGen C0917713, MONDO:0010311, OMIM 300376.
Duchenne muscular dystrophy (DMD). Also called: Duchenne Muscular Dystrophy (DMD); MUSCULAR DYSTROPHY, PSEUDOHYPERTROPHIC PROGRESSIVE, DUCHENNE TYPE. Identifiers: Orphanet 98896, MedGen C0013264, MONDO:0010679, OMIM 310200.
Dystrophin deficiency.

Submissions (3):

Labcorp Genetics (formerly Invitae), Labcorp
Classification: Uncertain significance for Duchenne muscular dystrophy. Last evaluated: 2022-09-27. Review status: criteria provided, single submitter. Criteria: Invitae Variant Classification Sherloc (09022015). Collection method: clinical testing. Allele origin: germline.
Comment: ClinVar contains an entry for this variant (Variation ID: 285215). This sequence change replaces glutamine, which is neutral and polar, with lysine, which is basic and polar, at codon 840 of the DMD protein (p.Gln840Lys). This variant is not present in population databases (gnomAD no frequency). This variant has not been reported in the literature in individuals affected with DMD-related conditions. Advanced modeling of protein sequence and biophysical properties (such as structural, functional, and spatial information, amino acid conservation, physicochemical variation, residue mobility, and thermodynamic stability) performed at Invitae indicates that this missense variant is not expected to disrupt DMD protein function. In summary, the available evidence is currently insufficient to determine the role of this variant in disease. Therefore, it has been classified as a Variant of Uncertain Significance.

Eurofins Ntd Llc (ga)
Classification: Uncertain significance. Last evaluated: 2015-12-14. Review status: criteria provided, single submitter. Criteria: EGL Classification Definitions 2015. Collection method: clinical testing. Allele origin: germline. Observed: 1 variant allele, 1 heterozygote.

Natera, Inc.
Classification: Uncertain significance for Becker muscular dystrophy; Cardiomyopathy; Duchenne muscular dystrophy; Dystrophin deficiency. Last evaluated: 2018-11-27. Review status: no assertion criteria provided. Collection method: clinical testing. Allele origin: germline. Not counted in ClinVar's aggregate classification.

NM_004006.3(DMD):c.2518C>A (p.Gln840Lys)

Gene: DMD (dystrophin; minus strand). Cytogenetic location: Xp21.1.
Variant type: single nucleotide variant.
Coding change: c.2518C>A on transcript NM_004006.3 (MANE Select); coding-DNA position 2518, C replaced by A.
Protein change: p.Gln840Lys; replaces glutamine 840 with lysine.
Molecular consequence: missense variant.
Genome position (GRCh38, 1-based): chrX:32,491,381, G>T on the plus strand (C>A on the coding strand, the complement: DMD is on the minus strand). VCF-style: chrX-32491381-G-T. GRCh37 (hg19) VCF-style: chrX-32509498-G-T.
Other names: c.2494C>A, p.Gln832Lys (NM_000109.4); c.2506C>A, p.Gln836Lys (NM_004009.3); c.2149C>A, p.Gln717Lys (NM_004010.3); short protein forms Q840K, Q717K, Q836K, Q832K.
Identifiers: ClinVar variation 285215 (VCV000285215.15), dbSNP rs398123892, ClinGen allele CA10605040.
Genomic context (GRCh38, chrX:32,491,381, plus strand): 5'-GGGTGGTGGGTTGGATTTTCAACCAGTTTTCAGCAGTAGTTGTCATCTGCTCCAATTGTT[G>T]TAGCTGATTATAGAAAGCGATGATGTTGTTCTGATACTCCAGCCAGTTAAGTCTCTCACT-3'
Protein context (NP_003997.2, residues 830-850): NNIIAFYNQL[Gln840Lys]QLEQMTTTAE